The following is an entry in ClinVar:

ClinVar aggregate classification (germline): Uncertain significance (1 of 4 stars; one submission).

Submission:

GeneDx
Classification: Uncertain significance. Last evaluated: 2024-10-18. Review status: criteria provided, single submitter. Criteria: GeneDx Variant Classification Process June 2021. Collection method: clinical testing. Allele origin: germline. Affected: yes.
Comment: Not observed at significant frequency in large population cohorts (gnomAD); Nonsense variant predicted to result in protein truncation or nonsense mediated decay in a gene or region of a gene for which loss of function is not a well-established mechanism of disease; Has not been previously published as pathogenic or benign to our knowledge

NM_006922.4(SCN3A):c.2038G>T (p.Glu680Ter)

Gene: SCN3A (sodium voltage-gated channel alpha subunit 3; minus strand). Cytogenetic location: 2q24.3.
Variant type: single nucleotide variant.
Coding change: c.2038G>T on transcript NM_006922.4 (MANE Select); coding-DNA position 2038, G replaced by T.
Protein change: p.Glu680Ter; replaces glutamic acid 680 with a stop codon.
Molecular consequence: nonsense.
Genome position (GRCh38, 1-based): chr2:165,139,590, C>A on the plus strand (G>T on the coding strand, the complement: SCN3A is on the minus strand). VCF-style: chr2-165139590-C-A. GRCh37 (hg19) VCF-style: chr2-165996100-C-A.
Other names: c.1891G>T, p.Glu631Ter (NM_001081676.2, NM_001081677.2); short protein forms E631*, E680*.
Identifiers: ClinVar variation 3781212 (VCV003781212.1).